The following is an entry in ClinVar:

NM_014171.6(CRIPT):c.132del (p.Ala45fs)

Gene: CRIPT (CXXC repeat containing interactor of PDZ3 domain; plus strand). Cytogenetic location: 2p21.
Variant type: Deletion.
Coding change: c.132del on transcript NM_014171.6 (MANE Select); coding-DNA position 132, one base deleted (A; older notation c.132delA).
Protein change: p.Ala45fs; shifts the reading frame from alanine 45.
Molecular consequence: frameshift variant.
Genome position (GRCh38, 1-based): chr2:46,619,676, A deleted; the last of 7 consecutive A bases (chr2:46,619,670-46,619,676); deleting any one gives the same sequence. VCF-style (leftmost placement, unchanged base first): chr2-46619669-CA-C. GRCh37 (hg19) VCF-style: chr2-46846808-CA-C.
Other names: c.126delA (NM_014171.5); short protein forms A45fs.
Identifiers: ClinVar variation 976761 (VCV000976761.7), dbSNP rs771238795, ClinGen allele CA1646302.

ClinVar aggregate classification (germline): Pathogenic. Review status: criteria provided, multiple submitters, no conflicts (2 of 4 stars). 4 submissions from 4 submitters: Pathogenic (3). 1 of the submissions does not count toward it. Last evaluated 2024-10-15.

Conditions:
Rothmund-Thomson syndrome type 3. Also called: Short stature with microcephaly and distinctive facies. Identifiers: MedGen C4014339, MONDO:0014347, OMIM 615789.

Submissions (4):

Institute of Human Genetics Munich, TUM University Hospital
Classification: Pathogenic for Rothmund-Thomson syndrome type 3. Last evaluated: 2024-10-15. Review status: criteria provided, single submitter. Criteria: Classification criteria August 2017. Collection method: clinical testing. Allele origin: inherited, germline. Inheritance: Autosomal recessive inheritance. Affected: yes. Observed: 2 variant alleles.

MGZ Medical Genetics Center
Classification: Pathogenic for Rothmund-Thomson syndrome type 3. Last evaluated: 2021-12-14. Review status: criteria provided, single submitter. Criteria: ACMG Guidelines, 2015. Collection method: clinical testing. Allele origin: germline. Affected: yes. Observed: 3 variant alleles.
Comment: ACMG criteria applied: PVS1, PS4_MOD, PM2_SUP, PM3_SUP

Clinical Genetics Service, Universitary Hospital 12 de Octubre
Classification: Pathogenic for Rothmund-Thomson syndrome type 3. Review status: criteria provided, single submitter. Criteria: ACMG Guidelines, 2015. Collection method: clinical testing. Allele origin: germline. Affected: yes.

OMIM
Classification: Pathogenic for ROTHMUND-THOMSON SYNDROME, TYPE 3. Last evaluated: 2024-04-29. Review status: no assertion criteria provided. Collection method: literature only. Allele origin: germline. Not counted in ClinVar's aggregate classification.

Literature cited by the submitters: PubMed 37013901 (cited by OMIM).